The following is an entry in ClinVar:

NM_015693.4(INTU):c.590G>A (p.Arg197Lys)

Gene: INTU (inturned planar cell polarity protein; plus strand). Cytogenetic location: 4q28.1.
Variant type: single nucleotide variant.
Coding change: c.590G>A on transcript NM_015693.4 (MANE Select); coding-DNA position 590, G replaced by A.
Protein change: p.Arg197Lys; replaces arginine 197 with lysine.
Molecular consequence: missense variant.
Genome position (GRCh38, 1-based): chr4:127,643,964, G>A. VCF-style: chr4-127643964-G-A. GRCh37 (hg19) VCF-style: chr4-128565119-G-A.
Other names: short protein forms R197K.
Identifiers: ClinVar variation 2178762 (VCV002178762.4), dbSNP rs770757870, ClinGen allele CA3074819.

ClinVar aggregate classification (germline): Uncertain significance (1 of 4 stars; one submission).

Allele frequency attached by ClinVar (database versions not stated): gnomAD exomes 0.00001; TOPMed 0.00002; ExAC 0.00009.
gnomAD v4.1: 17 of 1,614,190 alleles (0.0011%); highest among the groups gnomAD compares: Admixed American, 0.025%; no homozygotes.

Submission:

Labcorp Genetics (formerly Invitae), Labcorp
Classification: Uncertain significance. Last evaluated: 2023-06-01. Review status: criteria provided, single submitter. Criteria: Invitae Variant Classification Sherloc (09022015). Collection method: clinical testing. Allele origin: germline.
Comment: This sequence change replaces arginine, which is basic and polar, with lysine, which is basic and polar, at codon 197 of the INTU protein (p.Arg197Lys). In summary, the available evidence is currently insufficient to determine the role of this variant in disease. Therefore, it has been classified as a Variant of Uncertain Significance. Advanced modeling of protein sequence and biophysical properties (such as structural, functional, and spatial information, amino acid conservation, physicochemical variation, residue mobility, and thermodynamic stability) performed at Invitae indicates that this missense variant is not expected to disrupt INTU protein function. ClinVar contains an entry for this variant (Variation ID: 2178762). This variant has not been reported in the literature in individuals affected with INTU-related conditions. This variant is present in population databases (rs770757870, gnomAD 0.04%).